The following is an entry in ClinVar:

ClinVar aggregate classification (germline): Uncertain significance. Review status: criteria provided, multiple submitters, no conflicts (2 of 4 stars). 2 submissions from 2 submitters: Uncertain significance (2). Last evaluated 2024-05-02.

Allele frequency attached by ClinVar (database versions not stated): ExAC 0.00002; gnomAD exomes 0.00002 and 0.00004; gnomAD 0.00003; TOPMed 0.00005.

Submissions (2):

Ambry Genetics
Classification: Uncertain significance. Last evaluated: 2024-05-02. Review status: criteria provided, single submitter. Criteria: Ambry Variant Classification Scheme 2023. Collection method: clinical testing. Allele origin: germline.

Labcorp Genetics (formerly Invitae), Labcorp
Classification: Uncertain significance. Last evaluated: 2022-11-01. Review status: criteria provided, single submitter. Criteria: Invitae Variant Classification Sherloc (09022015). Collection method: clinical testing. Allele origin: germline.
Comment: This sequence change replaces serine, which is neutral and polar, with glycine, which is neutral and non-polar, at codon 79 of the CEP19 protein (p.Ser79Gly). This variant is present in population databases (rs778350935, gnomAD 0.007%). This variant has not been reported in the literature in individuals affected with CEP19-related conditions. ClinVar contains an entry for this variant (Variation ID: 1052775). Algorithms developed to predict the effect of missense changes on protein structure and function output the following: SIFT: "Tolerated"; PolyPhen-2: "Benign"; Align-GVGD: "Class C0". The glycine amino acid residue is found in multiple mammalian species, which suggests that this missense change does not adversely affect protein function. In summary, the available evidence is currently insufficient to determine the role of this variant in disease. Therefore, it has been classified as a Variant of Uncertain Significance.

NM_032898.5(CEP19):c.223A>G (p.Ser75Gly)

Gene: CEP19 (centrosomal protein 19; minus strand). Cytogenetic location: 3q29.
Variant type: single nucleotide variant.
Coding change: c.223A>G on transcript NM_032898.5 (MANE Select); coding-DNA position 223, A replaced by G.
Protein change: p.Ser75Gly; replaces serine 75 with glycine.
Molecular consequence: missense variant.
Genome position (GRCh38, 1-based): chr3:196,707,820, T>C on the plus strand (A>G on the coding strand, the complement: CEP19 is on the minus strand). VCF-style: chr3-196707820-T-C. GRCh37 (hg19) VCF-style: chr3-196434691-T-C.
Other names: c.118A>G, p.Ser40Gly (NM_001379468.1); c.223A>G, p.Ser75Gly (NM_001379469.1, NM_001379470.1); c.235A>G (NM_032898.3); short protein forms S40G, S75G.
Identifiers: ClinVar variation 1052775 (VCV001052775.5), dbSNP rs778350935, ClinGen allele CA2782121.